The following is an entry in ClinVar:

ClinVar aggregate classification (germline): Uncertain significance. Review status: reviewed by expert panel (3 of 4 stars). 2 submissions from 2 submitters: Uncertain significance (1). 1 of the submissions does not count toward it. Last evaluated 2024-09-30.

Conditions:
Hereditary thrombocytopenia and hematological cancer predisposition syndrome associated with RUNX1. Also called: Familial Platelet Disorder with Propensity to Acute Myelogenous Leukemia; Familial thrombocytopenia with propensity to acute myelogenous leukemia; PLATELET DISORDER, ASPIRIN-LIKE; RUNX1 Familial Platelet Disorder with Associated Myeloid Malignancies. Identifiers: Orphanet 71290, MedGen C1832388, MeSH C563324, MONDO:0100083, OMIM 601399.
Hereditary thrombocytopenia and hematologic cancer predisposition syndrome. Identifiers: Orphanet 71290, MedGen CN281654, MONDO:0011071.

gnomAD v4.1: 2 of 1,613,892 alleles (0.00012%); highest among the groups gnomAD compares: East Asian, 0.0022%; no homozygotes.

Submissions (2):

ClinGen Myeloid Malignancy Variant Curation Expert Panel
Classification: Uncertain significance for Hereditary thrombocytopenia and hematologic cancer predisposition syndrome. Last evaluated: 2024-09-30. Review status: reviewed by expert panel. Criteria: ClinGen MyeloMalig ACMG Specifications v2. Collection method: curation. Allele origin: germline. Inheritance: Autosomal dominant inheritance.
Comment: NM_001754.5(RUNX1):c.520A>G (p.Thr174Ala) is a missense variant which has a REVEL score ≥ 0.88 (0.951) (PP3). This missense variant is located within the Runt Homology Domain (AA 89-204), but does not occur in an established hotspot residue (PM1_supporting). This variant is completely absent from all population databases with at least 20x coverage for RUNX1 (PM2_supporting). In summary, the clinical significance of this variant is uncertain. ACMG/AMP criteria applied, as specified by the Myeloid Malignancy Variant Curation Expert Panel for RUNX1: PP3, PM1_supporting, PM2_supporting.

Labcorp Genetics (formerly Invitae), Labcorp
Classification: Uncertain significance for Hereditary thrombocytopenia and hematological cancer predisposition syndrome associated with RUNX1. Last evaluated: 2023-09-06. Review status: criteria provided, single submitter. Criteria: Invitae Variant Classification Sherloc (09022015). Collection method: clinical testing. Allele origin: germline. Not counted in ClinVar's aggregate classification.
Comment: This variant is not present in population databases (gnomAD no frequency). In summary, the available evidence is currently insufficient to determine the role of this variant in disease. Therefore, it has been classified as a Variant of Uncertain Significance. Advanced modeling of protein sequence and biophysical properties (such as structural, functional, and spatial information, amino acid conservation, physicochemical variation, residue mobility, and thermodynamic stability) has been performed at Invitae for this missense variant, however the output from this modeling did not meet the statistical confidence thresholds required to predict the impact of this variant on RUNX1 protein function. This variant has not been reported in the literature in individuals affected with RUNX1-related conditions. This sequence change replaces threonine, which is neutral and polar, with alanine, which is neutral and non-polar, at codon 174 of the RUNX1 protein (p.Thr174Ala).

NM_001754.5(RUNX1):c.520A>G (p.Thr174Ala)

Genes: RUNX1-AS1 (RUNX1 antisense RNA 1; plus strand), RUNX1 (RUNX family transcription factor 1; minus strand). Cytogenetic location: 21q22.12.
Variant type: single nucleotide variant.
Coding change: c.520A>G on transcript NM_001754.5 (MANE Select); coding-DNA position 520, A replaced by G.
Protein change: p.Thr174Ala; replaces threonine 174 with alanine.
Molecular consequence: missense variant.
Genome position (GRCh38, 1-based): chr21:34,859,567, T>C on the plus strand (A>G on the coding strand, the complement: RUNX1 is on the minus strand). VCF-style: chr21-34859567-T-C. GRCh37 (hg19) VCF-style: chr21-36231864-T-C.
Other names: NM_001754.5(RUNX1):c.520A>G; p.Thr174Ala; c.439A>G, p.Thr147Ala (NM_001001890.3, NM_001122607.2); short protein forms T147A, T174A.
Identifiers: ClinVar variation 2739759 (VCV002739759.4), dbSNP rs2146236766, ClinGen allele CA410208132.